The following is an entry in ClinVar:

ClinVar aggregate classification (germline): Uncertain significance. Review status: criteria provided, multiple submitters, no conflicts (2 of 4 stars). 2 submissions from 2 submitters: Uncertain significance (2). Last evaluated 2025-12-30.

Allele frequency attached by ClinVar (database versions not stated): ESP Exome Variant Server 0.00008; ExAC 0.00011; gnomAD exomes 0.00012 and 0.00015; gnomAD 0.00016 and 0.00019; 1000 Genomes Project 30x 0.00031; TOPMed 0.00031; 1000 Genomes Project 0.00040.
gnomAD v4.1: 208 of 1,614,124 alleles (0.013%); highest among the groups gnomAD compares: East Asian, 0.14%; no homozygotes.

Submissions (2):

Labcorp Genetics (formerly Invitae), Labcorp
Classification: Uncertain significance. Last evaluated: 2025-12-30. Review status: criteria provided, single submitter. Criteria: Invitae Variant Classification Sherloc (09022015). Collection method: clinical testing. Allele origin: germline.
Comment: This sequence change replaces alanine, which is neutral and non-polar, with threonine, which is neutral and polar, at codon 1887 of the DSCAML1 protein (p.Ala1887Thr). This variant is present in population databases (rs76623445, gnomAD 0.05%). This missense change has been observed in individual(s) with autism spectrum disorder (PMID: 33501714). ClinVar contains an entry for this variant (Variation ID: 1375672). An algorithm developed to predict the effect of missense changes on protein structure and function (PolyPhen-2) suggests that this variant is likely to be disruptive. In summary, the available evidence is currently insufficient to determine the role of this variant in disease. Therefore, it has been classified as a Variant of Uncertain Significance.

Breakthrough Genomics
Classification: Uncertain significance. Review status: criteria provided, single submitter. Criteria: ACMG Guidelines, 2015. Collection method: not provided. Allele origin: germline. Inheritance: Unknown mechanism. Affected: yes.

Literature cited by the submitters: PubMed 33501714 (cited by Labcorp Genetics (formerly Invitae), Labcorp).

NM_020693.4(DSCAML1):c.5479G>A (p.Ala1827Thr)

Gene: DSCAML1 (DS cell adhesion molecule like 1; minus strand). Cytogenetic location: 11q23.3.
Variant type: single nucleotide variant.
Coding change: c.5479G>A on transcript NM_020693.4 (MANE Select); coding-DNA position 5479, G replaced by A.
Protein change: p.Ala1827Thr; replaces alanine 1827 with threonine.
Molecular consequence: missense variant.
Genome position (GRCh38, 1-based): chr11:117,430,929, C>T on the plus strand (G>A on the coding strand, the complement: DSCAML1 is on the minus strand). VCF-style: chr11-117430929-C-T. GRCh37 (hg19) VCF-style: chr11-117301645-C-T.
Other names: short protein forms A1827T.
Identifiers: ClinVar variation 1375672 (VCV001375672.7), dbSNP rs76623445, ClinGen allele CA6296055.